The following is an entry in ClinVar:

NM_001267550.2(TTN):c.104573T>A (p.Ile34858Asn)

Genes: TTN (titin; minus strand), TTN-AS1 (TTN antisense RNA 1; plus strand). Cytogenetic location: 2q31.2.
Variant type: single nucleotide variant.
Coding change: c.104573T>A on transcript NM_001267550.2 (MANE Select); coding-DNA position 104573, T replaced by A.
Protein change: p.Ile34858Asn; replaces isoleucine 34858 with asparagine.
Molecular consequence: missense variant.
Genome position (GRCh38, 1-based): chr2:178,532,042, A>T on the plus strand (T>A on the coding strand, the complement: TTN is on the minus strand). VCF-style: chr2-178532042-A-T. GRCh37 (hg19) VCF-style: chr2-179396769-A-T.
Other names: c.99650T>A, p.Ile33217Asn (NM_001256850.1); c.77378T>A, p.Ile25793Asn (NM_003319.4); c.96869T>A, p.Ile32290Asn (NM_133378.4); c.77753T>A, p.Ile25918Asn (NM_133432.3); c.77954T>A, p.Ile25985Asn (NM_133437.4); short protein forms I25918N, I32290N, I33217N, I34858N, I25793N, I25985N.
Identifiers: ClinVar variation 1360620 (VCV001360620.8), dbSNP rs374668326, ClinGen allele CA1985400.

ClinVar aggregate classification (germline): Uncertain significance (1 of 4 stars; one submission).

Conditions:
Dilated cardiomyopathy 1G (CMD1G). Identifiers: Orphanet 154, MedGen C1858763, MONDO:0011400, OMIM 604145.
Autosomal recessive limb-girdle muscular dystrophy type 2J (LGMDR10). Also called: Limb-girdle muscular dystrophy, type 2J; MUSCULAR DYSTROPHY, LIMB-GIRDLE, AUTOSOMAL RECESSIVE 10. Identifiers: Orphanet 140922, MedGen C1837342, MONDO:0012127, OMIM 608807.

Allele frequency attached by ClinVar (database versions not stated): ExAC 0.00001; gnomAD 0.00001; TOPMed 0.00001; ESP Exome Variant Server 0.00008.
gnomAD v4.1: 1 of 1,613,812 alleles (0.000062%); highest among the groups gnomAD compares: African/African-American, 0.0013%; no homozygotes.

Submission:

Labcorp Genetics (formerly Invitae), Labcorp
Classification: Uncertain significance for Dilated cardiomyopathy 1G; Autosomal recessive limb-girdle muscular dystrophy type 2J. Last evaluated: 2022-10-17. Review status: criteria provided, single submitter. Criteria: Invitae Variant Classification Sherloc (09022015). Collection method: clinical testing. Allele origin: germline.
Comment: This variant is not present in population databases (gnomAD no frequency). In summary, the available evidence is currently insufficient to determine the role of this variant in disease. Therefore, it has been classified as a Variant of Uncertain Significance. This variant is located in the M band of TTN (PMID: 25589632). Variants in this region may be relevant for neuromuscular disorders, but have not been definitively shown to cause cardiomyopathy (PMID: 23975875). Experimental studies and prediction algorithms are not available or were not evaluated, and the functional significance of this variant is currently unknown. ClinVar contains an entry for this variant (Variation ID: 1360620). This variant has not been reported in the literature in individuals affected with TTN-related conditions. This sequence change replaces isoleucine, which is neutral and non-polar, with asparagine, which is neutral and polar, at codon 34858 of the TTN protein (p.Ile34858Asn).

Literature cited by the submitters: PubMed 25589632; PubMed 23975875.